The following is an entry in ClinVar:

ClinVar aggregate classification (germline): Uncertain significance (1 of 4 stars; one submission).

Conditions:
ABCA4-related disorder. Also called: ABCA4-related condition; ABCA4-related disorders. Identifiers: MedGen CN239167.

gnomAD v4.1: 66 of 152,234 alleles (0.043%); highest among the groups gnomAD compares: African/African-American, 0.14%; no homozygotes.

Submission:

3billion
Classification: Uncertain significance for ABCA4-related disorder. Last evaluated: 2025-09-22. Review status: criteria provided, single submitter. Criteria: ACMG Guidelines, 2015. Collection method: clinical testing. Allele origin: germline. Affected: yes.
Comment: The variant is observed at an extremely low frequency in the gnomAD v4.1.0 dataset (total allele frequency: 0.043%). Predicted Consequence/Location: Intron variant Therefore, this variant is classified as VUS according to the recommendation of ACMG/AMP guideline.

NM_000350.3(ABCA4):c.3050+230A>G

Gene: ABCA4 (ATP binding cassette subfamily A member 4; minus strand). Cytogenetic location: 1p22.1.
Variant type: single nucleotide variant.
Coding change: c.3050+230A>G on transcript NM_000350.3 (MANE Select); 230 bases into the intron after coding-DNA position 3050, A replaced by G.
Molecular consequence: intron variant.
Genome position (GRCh38, 1-based): chr1:94,044,383, T>C on the plus strand (A>G on the coding strand, the complement: ABCA4 is on the minus strand). VCF-style: chr1-94044383-T-C. GRCh37 (hg19) VCF-style: chr1-94509939-T-C.
Other names: c.2828+230A>G (NM_001425324.1).
Identifiers: ClinVar variation 4854254 (VCV004854254.1).